The following is an entry in ClinVar:

ClinVar aggregate classification (germline): Conflicting classifications of pathogenicity. Review status: criteria provided, conflicting classifications (1 of 4 stars). 3 submissions from 3 submitters: Uncertain significance (1); Benign (1); Likely benign (1). Last evaluated 2026-04-08.

Conditions:
Hereditary cancer-predisposing syndrome. Also called: Tumor predisposition; Hereditary neoplastic syndrome; Neoplastic Syndromes, Hereditary; Hereditary Cancer Syndrome. Identifiers: Orphanet 140162, MedGen C0027672, MeSH D009386, MONDO:0015356.
Gorlin syndrome. Also called: Nevoid Basal Cell Carcinoma Syndrome; Basal cell nevus syndrome. Identifiers: Orphanet 377, MedGen C0004779, MONDO:0007187.

Allele frequency attached by ClinVar (database versions not stated): gnomAD exomes below 0.00001.
gnomAD v4.1: 3 of 1,614,130 alleles (0.00019%); highest among the groups gnomAD compares: Non-Finnish European, 0.00017%; no homozygotes.

Submissions (3):

Ambry Genetics
Classification: Likely benign for Hereditary cancer-predisposing syndrome. Last evaluated: 2026-04-08. Review status: criteria provided, single submitter. Criteria: Ambry Variant Classification Scheme 2023. Collection method: clinical testing. Allele origin: germline.

Labcorp Genetics (formerly Invitae), Labcorp
Classification: Benign for Gorlin syndrome. Last evaluated: 2024-10-10. Review status: criteria provided, single submitter. Criteria: Invitae Variant Classification Sherloc (09022015). Collection method: clinical testing. Allele origin: germline.

Quest Diagnostics Nichols Institute San Juan Capistrano
Classification: Uncertain significance. Last evaluated: 2023-08-02. Review status: criteria provided, single submitter. Criteria: Quest Diagnostics criteria. Collection method: clinical testing. Allele origin: unknown.
Comment: To the best of our knowledge, this variant has not been reported in the published literature. The frequency of this variant in the general population, 0.000004 (1/251406 chromosomes (Genome Aggregation Database)), is uninformative in the assessment of its pathogenicity. Analysis of this variant using software algorithms for the prediction of the effect of nucleotide changes on splicing yielded predictions that this variant does not affect PTCH1 mRNA splicing . Based on the available information, we are unable to determine the clinical significance of this variant.

NM_000264.5(PTCH1):c.3525G>A (p.Leu1175=)

Gene: PTCH1 (patched 1; minus strand). Cytogenetic location: 9q22.32.
Variant type: single nucleotide variant.
Coding change: c.3525G>A on transcript NM_000264.5 (MANE Select); coding-DNA position 3525, G replaced by A.
Protein change: p.Leu1175=; no amino-acid change (leucine 1175 retained).
Molecular consequence: synonymous variant. On other transcripts: non-coding transcript variant (1).
Genome position (GRCh38, 1-based): chr9:95,449,865, C>T on the plus strand (G>A on the coding strand, the complement: PTCH1 is on the minus strand). VCF-style: chr9-95449865-C-T. GRCh37 (hg19) VCF-style: chr9-98212147-C-T.
Other names: c.3327G>A, p.Leu1109= (NM_001083602.3); c.3522G>A, p.Leu1174= (NM_001083603.3); c.3072G>A, p.Leu1024= (NM_001083604.3, NM_001083605.3, NM_001083606.3 and 1 more transcripts); c.3369G>A, p.Leu1123= (NM_001354918.2).
Identifiers: ClinVar variation 2682063 (VCV002682063.5), dbSNP rs1231593535, ClinGen allele CA466106231.